The following is an entry in ClinVar:

ClinVar aggregate classification (germline): Benign/Likely benign. Review status: criteria provided, multiple submitters, no conflicts (2 of 4 stars). 6 submissions from 6 submitters: Benign (3); Likely benign (2). 1 of the submissions does not count toward it. Last evaluated 2026-09-01.

Conditions:
Leukodystrophy, hypomyelinating, 7, with or without oligodontia and/or hypogonadotropic hypogonadism (HLD7). Also called: LEUKODYSTROPHY, HYPOMYELINATING, 7, WITH OLIGODONTIA; LEUKODYSTROPHY, HYPOMYELINATING, 7, WITH OLIGODONTIA AND HYPOGONADOTROPIC HYPOGONADISM; LEUKODYSTROPHY, HYPOMYELINATING, 7, WITHOUT OLIGODONTIA OR HYPOGONADOTROPIC HYPOGONADISM; Ataxia, Delayed Dentition and Hypomyelination (ADDH); LEUKOENCEPHALOPATHY, HYPOMYELINATING, WITH ATAXIA AND DELAYED DENTITION; ATAXIA, DELAYED DENTITION, AND HYPOMYELINATION. Identifiers: Orphanet 137639, Orphanet 447893, Orphanet 447896, Orphanet 77295, Orphanet 88637, MedGen CN034185, MONDO:0011897, OMIM 607694.
POLR3A-related disorder. Also called: POLR3A-related condition; POLR3A-related disorders. Identifiers: MedGen CN378587, MONDO:0700276.

Allele frequency attached by ClinVar (database versions not stated): 1000 Genomes Project 0.00260; 1000 Genomes Project 30x 0.00281; ExAC 0.00438; gnomAD exomes 0.00455; gnomAD 0.00471 and 0.00484; TOPMed 0.00517; ESP Exome Variant Server 0.00607.
gnomAD v4.1: 12,301 of 1,614,176 alleles (0.76%); highest among the groups gnomAD compares: Non-Finnish European, 0.95%; 57 homozygotes.

Submissions (6):

CeGaT Center for Human Genetics Tuebingen
Classification: Likely benign. Last evaluated: 2026-09-01. Review status: criteria provided, single submitter. Criteria: CeGaT Center For Human Genetics Tuebingen Variant Classification Criteria Version 2. Collection method: clinical testing. Allele origin: germline. Affected: yes. Observed: 55 variant alleles.
Comment: POLR3A: BP4, BP7, BS2

Labcorp Genetics (formerly Invitae), Labcorp
Classification: Benign. Last evaluated: 2026-01-24. Review status: criteria provided, single submitter. Criteria: Invitae Variant Classification Sherloc (09022015). Collection method: clinical testing. Allele origin: germline.

Women's Health and Genetics/Laboratory Corporation of America, LabCorp
Classification: Benign. Last evaluated: 2024-09-03. Review status: criteria provided, single submitter. Criteria: LabCorp Variant Classification Summary - May 2015. Collection method: clinical testing. Allele origin: germline.

Mayo Clinic Laboratories, Mayo Clinic
Classification: Benign. Last evaluated: 2023-02-24. Review status: criteria provided, single submitter. Criteria: ACMG Guidelines, 2015. Collection method: clinical testing. Allele origin: germline. Observed: 4 variant alleles.
Comment: BS1, BS2, BP4, BP7

Illumina Laboratory Services, Illumina
Classification: Likely benign for Leukodystrophy, hypomyelinating, 7, with or without oligodontia and/or hypogonadotropic hypogonadism. Last evaluated: 2018-01-13. Review status: criteria provided, single submitter. Criteria: ICSL Variant Classification Criteria 13 December 2019. Collection method: clinical testing. Allele origin: germline.
Comment: This variant was observed in the ICSL laboratory as part of a predisposition screen in an ostensibly healthy population. It had not been previously curated by ICSL or reported in the Human Gene Mutation Database (HGMD: prior to June 1st, 2018), and was therefore a candidate for classification through an automated scoring system. Utilizing variant allele frequency, disease prevalence and penetrance estimates, and inheritance mode, an automated score was calculated to assess if this variant is too frequent to cause the disease. Based on the score and internal cut-off values, a variant classified as likely benign is not then subjected to further curation. The score for this variant resulted in a classification of likely benign for this disease.

PreventionGenetics, part of Exact Sciences
Classification: Benign for POLR3A-related condition. Last evaluated: 2022-10-17. Review status: no assertion criteria provided. Collection method: clinical testing. Allele origin: germline. Not counted in ClinVar's aggregate classification.
Comment: This variant is classified as benign based on ACMG/AMP sequence variant interpretation guidelines (Richards et al. 2015 PMID: 25741868, with internal and published modifications).

NM_007055.4(POLR3A):c.741G>A (p.Pro247=)

Gene: POLR3A (RNA polymerase III subunit A; minus strand). Cytogenetic location: 10q22.3.
Variant type: single nucleotide variant.
Coding change: c.741G>A on transcript NM_007055.4 (MANE Select); coding-DNA position 741, G replaced by A.
Protein change: p.Pro247=; no amino-acid change (proline 247 retained).
Molecular consequence: synonymous variant.
Genome position (GRCh38, 1-based): chr10:78,022,289, C>T on the plus strand (G>A on the coding strand, the complement: POLR3A is on the minus strand). VCF-style: chr10-78022289-C-T. GRCh37 (hg19) VCF-style: chr10-79782047-C-T.
Other names: p.Pro247=.
Identifiers: ClinVar variation 301077 (VCV000301077.55), dbSNP rs12764690, ClinGen allele CA5571614.